The following is an entry in ClinVar:

ClinVar aggregate classification (germline): Uncertain significance (1 of 4 stars; one submission).

Submission:

Labcorp Genetics (formerly Invitae), Labcorp
Classification: Uncertain significance. Last evaluated: 2021-08-04. Review status: criteria provided, single submitter. Criteria: Invitae Variant Classification Sherloc (09022015). Collection method: clinical testing. Allele origin: germline.
Comment: This sequence change replaces alanine with glutamic acid at codon 378 of the GPR179 protein (p.Ala378Glu). The alanine residue is weakly conserved and there is a moderate physicochemical difference between alanine and glutamic acid. This variant is not present in population databases (ExAC no frequency). This variant has not been reported in the literature in individuals affected with GPR179-related conditions. Algorithms developed to predict the effect of missense changes on protein structure and function (SIFT, PolyPhen-2, Align-GVGD) all suggest that this variant is likely to be tolerated. In summary, the available evidence is currently insufficient to determine the role of this variant in disease. Therefore, it has been classified as a Variant of Uncertain Significance.

NM_001004334.4(GPR179):c.1133C>A (p.Ala378Glu)

Gene: GPR179 (G protein-coupled receptor 179; minus strand). Cytogenetic location: 17q12.
Variant type: single nucleotide variant.
Coding change: c.1133C>A on transcript NM_001004334.4 (MANE Select); coding-DNA position 1133, C replaced by A.
Protein change: p.Ala378Glu; replaces alanine 378 with glutamic acid.
Molecular consequence: missense variant.
Genome position (GRCh38, 1-based): chr17:38,337,072, G>T on the plus strand (C>A on the coding strand, the complement: GPR179 is on the minus strand). VCF-style: chr17-38337072-G-T. GRCh37 (hg19) VCF-style: chr17-36492955-G-T.
Other names: short protein forms A378E.
Identifiers: ClinVar variation 1508291 (VCV001508291.6), dbSNP rs192426710, ClinGen allele CA398887710.